The following is an entry in ClinVar:

NM_182961.4(SYNE1):c.20157G>C (p.Glu6719Asp)

Gene: SYNE1 (spectrin repeat containing nuclear envelope protein 1; minus strand). Cytogenetic location: 6q25.2.
Variant type: single nucleotide variant.
Coding change: c.20157G>C on transcript NM_182961.4 (MANE Select); coding-DNA position 20157, G replaced by C.
Protein change: p.Glu6719Asp; replaces glutamic acid 6719 with aspartic acid.
Molecular consequence: missense variant.
Genome position (GRCh38, 1-based): chr6:152,236,859, C>G on the plus strand (G>C on the coding strand, the complement: SYNE1 is on the minus strand). VCF-style: chr6-152236859-C-G. GRCh37 (hg19) VCF-style: chr6-152557994-C-G.
Other names: c.19944G>C, p.Glu6648Asp (NM_033071.5); short protein forms E6648D, E6719D.
Identifiers: ClinVar variation 538411 (VCV000538411.1), dbSNP rs769305344, ClinGen allele CA366123233.

ClinVar aggregate classification (germline): Uncertain significance (1 of 4 stars; one submission).

Conditions:
Autosomal recessive ataxia, Beauce type. Also called: SYNE1-Related Autosomal Recessive Cerebellar Ataxia; Spinocerebellar ataxia, autosomal recessive 8; ATAXIA, RECESSIVE, OF BEAUCE; SYNE1 Deficiency. Identifiers: Orphanet 88644, MedGen C1853116, MONDO:0012549, OMIM 610743.
Emery-Dreifuss muscular dystrophy 4, autosomal dominant (EDMD4). Also called: EMERY-DREIFUSS MUSCULAR DYSTROPHY 4 WITH VARIABLE FEATURES. Identifiers: Orphanet 261, MedGen C2751807, MONDO:0013071, OMIM 612998.

Allele frequency attached by ClinVar (database versions not stated): TOPMed below 0.00001.

Submission:

Labcorp Genetics (formerly Invitae), Labcorp
Classification: Uncertain significance for Emery-Dreifuss muscular dystrophy 4, autosomal dominant; Autosomal recessive ataxia, Beauce type. Last evaluated: 2017-12-07. Review status: criteria provided, single submitter. Criteria: Invitae Variant Classification Sherloc (09022015). Collection method: clinical testing. Allele origin: germline.
Comment: This sequence change replaces glutamic acid with aspartic acid at codon 6648 of the SYNE1 protein (p.Glu6648Asp). The glutamic acid residue is highly conserved and there is a small physicochemical difference between glutamic acid and aspartic acid. This variant is not present in population databases (ExAC no frequency). This variant has not been reported in the literature in individuals with SYNE1-related disease. Algorithms developed to predict the effect of missense changes on protein structure and function (SIFT, PolyPhen-2, Align-GVGD) all suggest that this variant is likely to be disruptive, but these predictions have not been confirmed by published functional studies and their clinical significance is uncertain. In summary, the available evidence is currently insufficient to determine the role of this variant in disease. Therefore, it has been classified as a Variant of Uncertain Significance.